The following is an entry in ClinVar:

NM_015102.5(NPHP4):c.1306_1314dup

Gene: NPHP4 (nephrocystin 4; minus strand). Cytogenetic location: 1p36.31.
Variant type: Duplication.
Coding change: c.1306_1314dup on transcript NM_015102.5 (MANE Select); coding-DNA positions 1306 to 1314, 9 bases duplicated (AAGCAGGTG; older notation c.1306_1314dupAAGCAGGTG).
Genome position (GRCh38, 1-based): chr1:5,927,776-5,927,784, CACCTGCTT duplicated on the plus strand (AAGCAGGTG on the coding strand, the reverse complement: NPHP4 is on the minus strand); duplicating any 9 consecutive bases within chr1:5,927,776-5,927,791 gives the same sequence; the c. name uses the placement nearest the transcript's 3' end. VCF-style (leftmost placement, unchanged base first): chr1-5927775-C-CCACCTGCTT. GRCh37 (hg19) VCF-style: chr1-5987835-C-CCACCTGCTT.
Other names: c.1306_1314dup9 (NM_015102.4).
Identifiers: ClinVar variation 1484315 (VCV001484315.8), ClinGen allele CA554551.

ClinVar aggregate classification (germline): Uncertain significance. Review status: criteria provided, multiple submitters, no conflicts (2 of 4 stars). 5 submissions from 5 submitters: Uncertain significance (3). 2 of the submissions do not count toward it. Last evaluated 2024-10-22.

Conditions:
NPHP4-related disorder. Also called: NPHP4-related disorders; NPHP4-related condition. Identifiers: MedGen CN239384.
Nephronophthisis. Also called: Juvenile Nephronophthisis. Identifiers: Orphanet 655, MedGen C0687120, MONDO:0019005, HP:0000090.
Retinal dystrophy. Also called: Inherited retinal dystrophy. Identifiers: Orphanet 71862, MedGen C0854723, MeSH D058499, MONDO:0019118, HP:0000556.
Nephronophthisis 4 (NPHP4). Also called: NEPHRONOPHTHISIS 4, JUVENILE. Identifiers: Orphanet 655, MedGen C1847013, MONDO:0011752, OMIM 606966.
Senior-Loken syndrome 4 (SLSN4). Identifiers: Orphanet 3156, MedGen C1846979, MONDO:0011756, OMIM 606996.

Submissions (5):

Blueprint Genetics
Classification: Uncertain significance. Last evaluated: 2024-10-22. Review status: criteria provided, single submitter. Criteria: ACMG Guidelines, 2015. Collection method: clinical testing. Allele origin: germline.

Fulgent Genetics
Classification: Uncertain significance for Nephronophthisis 4; Senior-Loken syndrome 4. Last evaluated: 2024-05-13. Review status: criteria provided, single submitter. Criteria: ACMG Guidelines, 2015. Collection method: clinical testing. Allele origin: germline.

Labcorp Genetics (formerly Invitae), Labcorp
Classification: Uncertain significance for Nephronophthisis. Last evaluated: 2022-06-20. Review status: criteria provided, single submitter. Criteria: Invitae Variant Classification Sherloc (09022015). Collection method: clinical testing. Allele origin: germline.
Comment: This variant, c.1306_1314dup, results in the insertion of 3 amino acid(s) of the NPHP4 protein (p.Lys436_Val438dup), but otherwise preserves the integrity of the reading frame. This variant is present in population databases (rs747743472, gnomAD 0.04%). This variant has not been reported in the literature in individuals affected with NPHP4-related conditions. Experimental studies and prediction algorithms are not available or were not evaluated, and the functional significance of this variant is currently unknown. Algorithms developed to predict the effect of sequence changes on RNA splicing suggest that this variant may create or strengthen a splice site. In summary, the available evidence is currently insufficient to determine the role of this variant in disease. Therefore, it has been classified as a Variant of Uncertain Significance.

PreventionGenetics, part of Exact Sciences
Classification: Uncertain significance for NPHP4-related condition. Last evaluated: 2024-05-28. Review status: no assertion criteria provided. Collection method: clinical testing. Allele origin: germline. Not counted in ClinVar's aggregate classification.
Comment: The NPHP4 c.1306_1314dup9 variant is predicted to result in an in-frame duplication (p.Lys436_Val438dup). To our knowledge, this variant has not been reported in the literature. This variant is reported in 0.036% of alleles in individuals of European (Finnish) descent in gnomAD. At this time, the clinical significance of this variant is uncertain due to the absence of conclusive functional and genetic evidence.

Institute of Human Genetics, Univ. Regensburg, Univ. Regensburg
Classification: Uncertain significance for Retinal dystrophy. Last evaluated: 2022-01-01. Review status: no assertion criteria provided. Criteria: ACMG Guidelines, 2015. Collection method: clinical testing. Allele origin: germline. Affected: yes. Not counted in ClinVar's aggregate classification.